The following is an entry in ClinVar:

NM_000540.3(RYR1):c.6600G>A (p.Ala2200=)

Gene: RYR1 (ryanodine receptor 1; plus strand). Cytogenetic location: 19q13.2.
Variant type: single nucleotide variant.
Coding change: c.6600G>A on transcript NM_000540.3 (MANE Select); coding-DNA position 6600, G replaced by A.
Protein change: p.Ala2200=; no amino-acid change (alanine 2200 retained).
Molecular consequence: synonymous variant.
Genome position (GRCh38, 1-based): chr19:38,496,266, G>A. VCF-style: chr19-38496266-G-A. GRCh37 (hg19) VCF-style: chr19-38986906-G-A.
Other names: c.6600G>A, p.Ala2200= (NM_001042723.2).
Identifiers: ClinVar variation 329052 (VCV000329052.22), dbSNP rs375640581, ClinGen allele CA068464.

ClinVar aggregate classification (germline): Conflicting classifications of pathogenicity. Review status: criteria provided, conflicting classifications (1 of 4 stars). 8 submissions from 7 submitters: Uncertain significance (2); Likely benign (6). Last evaluated 2026-09-01.

Conditions:
RYR1-related disorder. Also called: RYR1-related condition; RYR1-related disorders. Identifiers: MedGen CN239331.
Congenital multicore myopathy with external ophthalmoplegia (CMYO1B). Also called: Congenital myopathy 1B, autosomal recessive; Minicore myopathy; MULTIMINICORE DISEASE WITH EXTERNAL OPHTHALMOPLEGIA; MULTICORE MYOPATHY; Minicore myopathy with external ophthalmoplegia. Identifiers: Orphanet 598, Orphanet 98905, MedGen C1850674, MONDO:0009712, OMIM 255320, HP:0003789.
Malignant hyperthermia, susceptibility to, 1 (MHS1). Also called: RYR1-Related Malignant Hyperthermia Susceptibility; Anesthesia related hyperthermia; Malignant hyperpyrexia; Fulminating hyperpyrexia; Pharmacogenic myopathy; Malignant hyperthermia suceptibility 1. Identifiers: Orphanet 423, MedGen C2930980, MONDO:0007783, OMIM 145600.

Allele frequency attached by ClinVar (database versions not stated): ExAC 0.00003; gnomAD exomes 0.00006; ESP Exome Variant Server 0.00008; gnomAD 0.00011 and 0.00013; 1000 Genomes Project 30x 0.00016; TOPMed 0.00017; 1000 Genomes Project 0.00020.
gnomAD v4.1: 104 of 1,613,976 alleles (0.0064%); highest among the groups gnomAD compares: Admixed American, 0.065%; no homozygotes.

Submissions (8):

CeGaT Center for Human Genetics Tuebingen
Classification: Likely benign. Last evaluated: 2026-09-01. Review status: criteria provided, single submitter. Criteria: CeGaT Center For Human Genetics Tuebingen Variant Classification Criteria Version 2. Collection method: clinical testing. Allele origin: germline. Affected: yes. Observed: 2 variant alleles.
Comment: RYR1: BP4, BP7

Labcorp Genetics (formerly Invitae), Labcorp
Classification: Likely benign for RYR1-related disorder. Last evaluated: 2025-09-17. Review status: criteria provided, single submitter. Criteria: Invitae Variant Classification Sherloc (09022015). Collection method: clinical testing. Allele origin: germline.

Blueprint Genetics
Classification: Likely benign. Last evaluated: 2024-11-04. Review status: criteria provided, single submitter. Criteria: ACMG Guidelines, 2015. Collection method: clinical testing. Allele origin: germline.

Color Diagnostics, LLC DBA Color Health
Classification: Likely benign for Malignant hyperthermia, susceptibility to, 1. Last evaluated: 2022-11-06. Review status: criteria provided, single submitter. Criteria: ACMG Guidelines, 2015. Collection method: clinical testing. Allele origin: germline.

GeneDx
Classification: Likely benign. Last evaluated: 2019-07-24. Review status: criteria provided, single submitter. Criteria: GeneDx Variant Classification Process June 2021. Collection method: clinical testing. Allele origin: germline. Affected: yes.

Illumina Laboratory Services, Illumina
Classification: Uncertain significance for Malignant hyperthermia, susceptibility to, 1. Last evaluated: 2018-01-13. Review status: criteria provided, single submitter. Criteria: ICSL Variant Classification Criteria 13 December 2019. Collection method: clinical testing. Allele origin: germline.

Illumina Laboratory Services, Illumina
Classification: Uncertain significance for Congenital multicore myopathy with external ophthalmoplegia. Last evaluated: 2018-01-13. Review status: criteria provided, single submitter. Criteria: ICSL Variant Classification Criteria 13 December 2019. Collection method: clinical testing. Allele origin: germline.

PreventionGenetics, part of Exact Sciences
Classification: Likely benign. Last evaluated: 2016-05-02. Review status: criteria provided, single submitter. Criteria: ACMG Guidelines, 2015. Collection method: clinical testing. Allele origin: germline.